The following is an entry in ClinVar:

NM_015884.4(MBTPS2):c.842A>T (p.His281Leu)

Gene: MBTPS2 (membrane bound transcription factor peptidase, site 2; plus strand). Cytogenetic location: Xp22.12.
Variant type: single nucleotide variant.
Coding change: c.842A>T on transcript NM_015884.4 (MANE Select); coding-DNA position 842, A replaced by T.
Protein change: p.His281Leu; replaces histidine 281 with leucine.
Molecular consequence: missense variant.
Genome position (GRCh38, 1-based): chrX:21,869,550, A>T. VCF-style: chrX-21869550-A-T. GRCh37 (hg19) VCF-style: chrX-21887668-A-T.
Other names: NC_000023.10:g.21887668A>T; short protein forms H281L.
Identifiers: ClinVar variation 2579877 (VCV002579877.2), dbSNP rs1221474092, ClinGen allele CA412568243.

ClinVar aggregate classification (germline): Uncertain significance (1 of 4 stars; one submission).

Submissions (2):

GeneDx
Classification: Uncertain significance. Last evaluated: 2023-03-16. Review status: criteria provided, single submitter. Criteria: GeneDx Variant Classification Process June 2021. Collection method: clinical testing. Allele origin: germline. Affected: yes.
Comment: Not observed at significant frequency in large population cohorts (gnomAD); In silico analysis supports that this missense variant has a deleterious effect on protein structure/function; Has not been previously published as pathogenic or benign to our knowledge

Dr. Peter K. Rogan Lab, Western University
No classification provided (evidence only). Condition: Thyroid cancer, nonmedullary, 1. Review status: no classification provided. Collection method: in vitro. Allele origin: not applicable. Functional consequence: retained intron. Not counted in ClinVar's aggregate classification.